The following is an entry in ClinVar:

ClinVar aggregate classification (germline): Conflicting classifications of pathogenicity. Review status: criteria provided, conflicting classifications (1 of 4 stars). 4 submissions from 4 submitters: Uncertain significance (2); Benign (1). 1 of the submissions does not count toward it. Last evaluated 2025-03-06.

Conditions:
Inborn genetic diseases. Identifiers: MedGen C0950123, MeSH D030342.
F13A1-related disorder. Also called: F13A1-related condition.
Factor XIII, A subunit, deficiency of. Also called: Factor XIII subunit A deficiency. Identifiers: Orphanet 331, MedGen C2750514, MONDO:0013187, OMIM 613225, HP:0040233.

Allele frequency attached by ClinVar (database versions not stated): ESP Exome Variant Server 0.00031; gnomAD 0.00083 and 0.00084; 1000 Genomes Project 0.00120; TOPMed 0.00125; 1000 Genomes Project 30x 0.00141.
gnomAD v4.1: 587 of 1,614,222 alleles (0.036%); highest among the groups gnomAD compares: Admixed American, 0.91%; 11 homozygotes.

Submissions (4):

Ambry Genetics
Classification: Uncertain significance for Inborn genetic diseases. Last evaluated: 2025-03-06. Review status: criteria provided, single submitter. Criteria: Ambry Variant Classification Scheme 2023. Collection method: clinical testing. Allele origin: germline.

Labcorp Genetics (formerly Invitae), Labcorp
Classification: Benign. Last evaluated: 2019-12-31. Review status: criteria provided, single submitter. Criteria: Invitae Variant Classification Sherloc (09022015). Collection method: clinical testing. Allele origin: germline.

Illumina Laboratory Services, Illumina
Classification: Uncertain significance for Factor XIII, A subunit, deficiency of. Last evaluated: 2018-01-13. Review status: criteria provided, single submitter. Criteria: ICSL Variant Classification Criteria 13 December 2019. Collection method: clinical testing. Allele origin: germline.

PreventionGenetics, part of Exact Sciences
Classification: Likely benign for F13A1-related condition. Last evaluated: 2024-01-19. Review status: no assertion criteria provided. Collection method: clinical testing. Allele origin: germline. Not counted in ClinVar's aggregate classification.
Comment: This variant is classified as likely benign based on ACMG/AMP sequence variant interpretation guidelines (Richards et al. 2015 PMID: 25741868, with internal and published modifications).

NM_000129.4(F13A1):c.160T>A (p.Phe54Ile)

Gene: F13A1 (coagulation factor XIII A chain; minus strand). Cytogenetic location: 6p25.1.
Variant type: single nucleotide variant.
Coding change: c.160T>A on transcript NM_000129.4 (MANE Select); coding-DNA position 160, T replaced by A.
Protein change: p.Phe54Ile; replaces phenylalanine 54 with isoleucine.
Molecular consequence: missense variant.
Genome position (GRCh38, 1-based): chr6:6,305,510, A>T on the plus strand (T>A on the coding strand, the complement: F13A1 is on the minus strand). VCF-style: chr6-6305510-A-T. GRCh37 (hg19) VCF-style: chr6-6305743-A-T.
Other names: short protein forms F54I.
Identifiers: ClinVar variation 357677 (VCV000357677.12), dbSNP rs138690353, ClinGen allele CA3624733.